The following continues an entry in ClinVar:

NM_007294.4(BRCA1):c.5251C>T (p.Arg1751Ter)

Gene: BRCA1. ClinVar aggregate classification (germline): Pathogenic. Pathogenic (1).

Submissions 28 to 51 of 52:

GeneKor MSA
Classification: Pathogenic for Hereditary breast and ovarian cancer syndrome. Last evaluated: 2020-01-01. Review status: criteria provided, single submitter. Criteria: ACMG Guidelines, 2015. Collection method: clinical testing. Allele origin: germline. Affected: yes. Not counted in ClinVar's aggregate classification.
Comment: This is a single base substitution, replacing Arginine with a termination codon. It is expected to result in a truncated, non-functional protein. Truncating variants in BRCA1 are known to be pathogenic. This particular variant is also known as 5370C>T and it has been described in the literature in multiple individuals with breast and ovarian cancer (PMID 21324516, 9361038) and in an individual with prostate cancer (PMID: 27433846). The mutation database ClinVar contains entries for this variant (Variation ID: 55480).

Fulgent Genetics
Classification: Pathogenic for Familial cancer of breast; Breast-ovarian cancer, familial, susceptibility to, 1; Pancreatic cancer, susceptibility to, 4; Fanconi anemia, complementation group S. Last evaluated: 2018-10-31. Review status: criteria provided, single submitter. Criteria: ACMG Guidelines, 2015. Collection method: clinical testing. Allele origin: unknown. Not counted in ClinVar's aggregate classification.

Genome Diagnostics Laboratory, University Medical Center Utrecht
Classification: Pathogenic for Breast-ovarian cancer, familial, susceptibility to, 1. Last evaluated: 2017-07-28. Review status: criteria provided, single submitter. Criteria: ACGS Guidelines, 2013. Collection method: clinical testing. Allele origin: germline. Affected: yes. Study: VKGL Data-share Consensus. Not counted in ClinVar's aggregate classification.

Human Genome Sequencing Center Clinical Lab, Baylor College of Medicine
Classification: Pathogenic for Breast-ovarian cancer, familial, susceptibility to, 1. Last evaluated: 2017-05-25. Review status: criteria provided, single submitter. Criteria: ACMG Guidelines, 2015. Collection method: clinical testing. Allele origin: germline. Not counted in ClinVar's aggregate classification.
Comment: The c.5251C>T (p.Arg1751*) variant in the BRCA1 gene has been detected multiple patients with breast cancer and/or ovarian cancer [PMID 9361038, 21324516, referred as c.5370C>T] and prostate cancer [PMID 27433846]. This variant creates a premature stop codon at amino acid position 1751 of the BRCA1 protein. This variant is thus predicted to result in a loss of function of the protein. This variant has not been observed in the ExAC population database. This variant thus classified as pathogenic.

Women's Health and Genetics/Laboratory Corporation of America, LabCorp
Classification: Pathogenic for Hereditary breast ovarian cancer syndrome. Last evaluated: 2016-10-18. Review status: criteria provided, single submitter. Criteria: LabCorp Variant Classification Summary - May 2015. Collection method: clinical testing. Allele origin: germline. Not counted in ClinVar's aggregate classification.
Comment: Variant summary: The BRCA1 c.5251C>T (p.Arg1751X) variant results in a premature termination codon, predicted to cause a truncated or absent BRCA1 protein due to nonsense mediated decay, which are commonly known mechanisms for disease. Truncations downstream of this position have been classified as pathogenic by our laboratory (e.g. c.5266dupC (p.Glh1756fsX74), c.5289delG (p.Leu1764X), and c.5335delC (p.Gln1779fsX14)). The variant of interest has not been observed in controls (ExAC, 1000 Gs, or ESP) and has been reported in multiple affected individuals via publications. In addition, multiple databases/clinical diagnostic laboratories cite the variant as "Pathogenic/Causal." Therefore, the variant of interest has been classified as Pathogenic.

Consortium of Investigators of Modifiers of BRCA1/2 (CIMBA), c/o University of Cambridge
Classification: Pathogenic for Breast-ovarian cancer, familial, susceptibility to, 1. Last evaluated: 2015-10-02. Review status: criteria provided, single submitter. Criteria: CIMBA Mutation Classification guidelines May 2016. Collection method: clinical testing. Allele origin: germline. Not counted in ClinVar's aggregate classification.

Clinical Genetics DNA and cytogenetics Diagnostics Lab, Erasmus MC, Erasmus Medical Center
Classification: Pathogenic for Breast-ovarian cancer, familial, susceptibility to, 1. Last evaluated: 2015-09-21. Review status: criteria provided, single submitter. Criteria: ACGS Guidelines, 2013. Collection method: clinical testing. Allele origin: germline. Affected: yes. Study: VKGL Data-share Consensus. Not counted in ClinVar's aggregate classification.

Department of Medical Genetics, Oslo University Hospital
Classification: Pathogenic for Breast-ovarian cancer, familial, susceptibility to, 1. Last evaluated: 2015-07-01. Review status: criteria provided, single submitter. Criteria: ACMG Guidelines, 2015. Collection method: clinical testing. Allele origin: germline. Affected: yes. Observed: 10 variant alleles. Not counted in ClinVar's aggregate classification.

Clinical and Functional Genomics Group, A.C.Camargo Cancer Center
Classification: Pathogenic for Breast Cancer. Review status: criteria provided, single submitter. Criteria: Carraro et al. (PLoS One. 2013). Collection method: research. Allele origin: germline. Affected: yes. Not counted in ClinVar's aggregate classification.

Genesis Genomics
Classification: Pathogenic for Breast-ovarian cancer, familial, susceptibility to, 1. Review status: criteria provided, single submitter. Criteria: ACMG Guidelines, 2015. Collection method: clinical testing. Allele origin: germline. Affected: yes. Observed: 3 variant alleles. Clinical features observed: Breast cancer. Not counted in ClinVar's aggregate classification.

Molecular Endocrinology Laboratory, Christian Medical College
Classification: Pathogenic for Breast-ovarian cancer, familial, susceptibility to, 1. Review status: criteria provided, single submitter. Criteria: ACMG Guidelines, 2015. Collection method: clinical testing. Allele origin: germline. Affected: yes. Not counted in ClinVar's aggregate classification.

BRCAlab, Lund University
Classification: Pathogenic for Breast-ovarian cancer, familial, susceptibility to, 1. Last evaluated: 2022-08-26. Review status: no assertion criteria provided. Collection method: clinical testing. Allele origin: germline. Affected: yes. Not counted in ClinVar's aggregate classification.

CZECANCA consortium
Classification: Pathogenic for Breast and/or ovarian cancer. Last evaluated: 2019-06-11. Review status: no assertion criteria provided. Collection method: clinical testing. Allele origin: germline. Affected: yes. Observed: 2 variant alleles. Not counted in ClinVar's aggregate classification.

Bioscientia Institut fuer Medizinische Diagnostik GmbH, Sonic Healthcare
Classification: Pathogenic for Familial cancer of breast. Last evaluated: 2018-10-17. Review status: no assertion criteria provided. Collection method: clinical testing. Allele origin: germline. Affected: yes. Not counted in ClinVar's aggregate classification.

Counsyl
Classification: Pathogenic for Breast-ovarian cancer, familial, susceptibility to, 1. Last evaluated: 2016-03-02. Review status: no assertion criteria provided. Collection method: clinical testing. Allele origin: unknown. Not counted in ClinVar's aggregate classification.

Institute of Human Genetics, Medical University Innsbruck
Classification: Pathogenic for Breast-ovarian cancer, familial 1. Last evaluated: 2015-02-11. Review status: no assertion criteria provided. Criteria: clinical testing. Collection method: clinical testing. Allele origin: germline. Affected: yes. Study: BRCA-Tyrol. Not counted in ClinVar's aggregate classification.
Comment: BRCA-mutation spectrum Western Austria

Research Molecular Genetics Laboratory, Women's College Hospital, University of Toronto
Classification: Pathogenic for Hereditary breast ovarian cancer syndrome. Last evaluated: 2014-01-31. Review status: no assertion criteria provided. Collection method: research. Allele origin: germline. Affected: yes. Study: The Canadian Open Genetics Repository (COGR). Not counted in ClinVar's aggregate classification.

Sharing Clinical Reports Project (SCRP)
Classification: Pathogenic for Breast-ovarian cancer, familial 1. Last evaluated: 2013-09-16. Review status: no assertion criteria provided. Collection method: clinical testing. Allele origin: germline. Not counted in ClinVar's aggregate classification.

Breast Cancer Information Core (BIC) (BRCA1)
No classification provided. Condition: Breast-ovarian cancer, familial 1. Review status: no classification provided. Collection method: clinical testing. Allele origin: germline, unknown. Affected: yes. Observed: 45 variant alleles. Not counted in ClinVar's aggregate classification.

Brotman Baty Institute, University of Washington
No classification provided (evidence only). Condition: Breast-ovarian cancer, familial 1. Review status: no classification provided. Collection method: in vitro. Allele origin: not applicable. Functional consequence: functionally_abnormal. Not counted in ClinVar's aggregate classification.
ClinVar note: "not provided" was previously submitted as the classification for the variant. However, the classification appeared to be based only on an observation of functional data so it was converted to no classification on 2025-07-30.

Clinical Genetics Laboratory, Department of Pathology, Netherlands Cancer Institute
Classification: Pathogenic. Review status: no assertion criteria provided. Collection method: clinical testing. Allele origin: germline. Affected: yes. Study: VKGL Data-share Consensus. Not counted in ClinVar's aggregate classification.

Department of Pathology and Laboratory Medicine, Sinai Health System
Classification: Pathogenic. Review status: no assertion criteria provided. Collection method: clinical testing. Allele origin: unknown. Affected: yes. Observed: 9 variant alleles. Study: The Canadian Open Genetics Repository (COGR). Not counted in ClinVar's aggregate classification.
Comment: The p.Arg1751X variant has been previously reported in the literature in at least 14 of 6217 individuals with hereditary breast and ovarian cancer and was consistent with a pathogenic role for this variant (Vehmanen 1997, Zhang 2011, Ladopoulou 2002, Schulz 2012, Papi 2009, Risch 2006, Krajc 2008, Sarantaus 2001, Fostira 2012). In a limited number of control chromosomes (186) the variant was not identified in these studies. This variant was also listed in the UMD (13x), LOVD, COSMIC and BIC (33x as clinically important) databases. The p.Arg1751X variant results in a premature stop codon at position 1751, which is predicted to lead to a truncated or absent protein and loss of function. Loss of function variants in the BRCA1 gene are an established mechanism of hereditary breast and ovarian cancer. In summary, based on the above information, this variant is classified as pathogenic.

Diagnostic Laboratory, Department of Genetics, University Medical Center Groningen
Classification: Pathogenic for Breast-ovarian cancer, familial, susceptibility to, 1. Review status: no assertion criteria provided. Collection method: clinical testing. Allele origin: germline. Affected: yes. Study: VKGL Data-share Consensus. Not counted in ClinVar's aggregate classification.

Dr. Peter K. Rogan Lab, Western University
No classification provided (evidence only). Condition: Gastric cancer. Review status: no classification provided. Collection method: in vitro. Allele origin: not applicable. Functional consequence: retained intron. Not counted in ClinVar's aggregate classification.